The following is an entry in ClinVar:

NM_021625.5(TRPV4):c.1782_1783del (p.Gly595fs)

Gene: TRPV4 (transient receptor potential cation channel subfamily V member 4; minus strand). Cytogenetic location: 12q24.11.
Variant type: Deletion.
Coding change: c.1782_1783del on transcript NM_021625.5 (MANE Select); coding-DNA positions 1782 to 1783, 2 bases deleted (TG; older notation c.1782_1783delTG).
Protein change: p.Gly595fs; shifts the reading frame from glycine 595.
Molecular consequence: frameshift variant.
Genome position (GRCh38, 1-based): chr12:109,792,693-109,792,694, CA deleted on the plus strand (TG on the coding strand, the reverse complement: TRPV4 is on the minus strand); deleting any 2 consecutive bases within chr12:109,792,693-109,792,695 gives the same sequence; the c. name uses the placement nearest the transcript's 3' end. VCF-style (leftmost placement, unchanged base first): chr12-109792692-CCA-C. GRCh37 (hg19) VCF-style: chr12-110230497-CCA-C.
Other names: c.1782_1783delTG (NM_021625.4); c.1640_1641delGT, p.Gly548Alafs (NM_001177428.2); c.1679_1680delGT, p.Gly561Alafs (NM_001177431.2); c.1460_1461delGT, p.Gly488Alafs (NM_001177433.2); c.1601_1602delGT, p.Gly535Alafs (NM_147204.3); short protein forms G488fs, G535fs, G548fs, G561fs, G595fs.
Identifiers: ClinVar variation 917067 (VCV000917067.7), dbSNP rs1252509184, ClinGen allele CA607601951.
Genomic context (GRCh38, chr12:109,792,692, plus strand): 5'-AGGGTCCTCCCAGCCCGTACCTTCTGGATCATGATGCTATAGGTCCCCGTCAGCTTCAGC[CCA>C]CGGGTGAAGTAAAGGGCATTCATCCAGCCCAGGACCAGGGCAAAGACCATCACGGCCAGG-3'

ClinVar aggregate classification (germline): Uncertain significance. Review status: criteria provided, multiple submitters, no conflicts (2 of 4 stars). 2 submissions from 2 submitters: Uncertain significance (2). Last evaluated 2025-10-28.

Conditions:
Charcot-Marie-Tooth disease. Also called: Charcot-Marie-Tooth Hereditary Neuropathy; Charcot-Marie-Tooth Neuropathy. Identifiers: Orphanet 166, MedGen C0007959, MONDO:0015626.
Charcot-Marie-Tooth disease axonal type 2C (HMSN2C). Also called: Charcot-Marie-Tooth Disease Type 2, TRPV4-Related (CMT2C); CHARCOT-MARIE-TOOTH DISEASE, AXONAL, AUTOSOMAL DOMINANT, TYPE 2C; Charcot-Marie-Tooth Neuropathy Type 2C. Identifiers: Orphanet 99937, MedGen C1853710, MONDO:0011633, OMIM 606071.

Submissions (2):

Labcorp Genetics (formerly Invitae), Labcorp
Classification: Uncertain significance for Charcot-Marie-Tooth disease axonal type 2C. Last evaluated: 2025-10-28. Review status: criteria provided, single submitter. Criteria: Invitae Variant Classification Sherloc (09022015). Collection method: clinical testing. Allele origin: germline.
Comment: This sequence change creates a premature translational stop signal (p.Gly595Alafs*8) in the TRPV4 gene. It is expected to result in an absent or disrupted protein product. However, the current clinical and genetic evidence is not sufficient to establish whether loss-of-function variants in TRPV4 cause disease. This variant is present in population databases (no rsID available, gnomAD 0.0009%). This variant has not been reported in the literature in individuals affected with TRPV4-related conditions. ClinVar contains an entry for this variant (Variation ID: 917067). In summary, the available evidence is currently insufficient to determine the role of this variant in disease. Therefore, it has been classified as a Variant of Uncertain Significance.

Molecular Genetics Laboratory, London Health Sciences Centre
Classification: Uncertain significance for Charcot-Marie-Tooth disease. Review status: criteria provided, single submitter. Criteria: ACMG Guidelines, 2015. Collection method: clinical testing. Allele origin: germline. Affected: yes.